The following is an entry in ClinVar:

ClinVar aggregate classification (germline): Uncertain significance (1 of 4 stars; one submission).

gnomAD v4.1: 1 of 1,614,194 alleles (0.000062%); highest among the groups gnomAD compares: Non-Finnish European, 0.000085%; no homozygotes.

Submission:

Labcorp Genetics (formerly Invitae), Labcorp
Classification: Uncertain significance. Last evaluated: 2025-12-08. Review status: criteria provided, single submitter. Criteria: Invitae Variant Classification Sherloc (09022015). Collection method: clinical testing. Allele origin: germline.
Comment: This sequence change replaces histidine, which is basic and polar, with arginine, which is basic and polar, at codon 211 of the MBD4 protein (p.His211Arg). This variant is not present in population databases (gnomAD no frequency). This variant has not been reported in the literature in individuals affected with MBD4-related conditions. ClinVar contains an entry for this variant (Variation ID: 3647409). An algorithm developed to predict the effect of missense changes on protein structure and function outputs the following: PolyPhen-2: "Benign". The arginine amino acid residue is found in multiple mammalian species, which suggests that this missense change does not adversely affect protein function. In summary, the available evidence is currently insufficient to determine the role of this variant in disease. Therefore, it has been classified as a Variant of Uncertain Significance.

NM_001276270.2(MBD4):c.632A>G (p.His211Arg)

Gene: MBD4 (methyl-CpG binding domain 4, DNA glycosylase; minus strand). Cytogenetic location: 3q21.3.
Variant type: single nucleotide variant.
Coding change: c.632A>G on transcript NM_001276270.2 (MANE Select); coding-DNA position 632, A replaced by G.
Protein change: p.His211Arg; replaces histidine 211 with arginine.
Molecular consequence: missense variant. On other transcripts: intron variant (1).
Genome position (GRCh38, 1-based): chr3:129,437,012, T>C on the plus strand (A>G on the coding strand, the complement: MBD4 is on the minus strand). VCF-style: chr3-129437012-T-C. GRCh37 (hg19) VCF-style: chr3-129155855-T-C.
Other names: c.632A>G, p.His211Arg (NM_001276271.2, NM_001276272.2, NM_003925.3); c.247+796A>G (NM_001276273.2); short protein forms H211R.
Identifiers: ClinVar variation 3647409 (VCV003647409.2).